The following is an entry in ClinVar:

ClinVar aggregate classification (germline): Uncertain significance (1 of 4 stars; one submission).

Conditions:
Carnitine palmitoyltransferase II deficiency. Also called: Carnitine Palmitoyltransferase 2 Deficiency. Identifiers: Orphanet 157, MedGen C0342790, MONDO:0015515.

Submission:

Labcorp Genetics (formerly Invitae), Labcorp
Classification: Uncertain significance for Carnitine palmitoyltransferase II deficiency. Last evaluated: 2024-01-23. Review status: criteria provided, single submitter. Criteria: Invitae Variant Classification Sherloc (09022015). Collection method: clinical testing. Allele origin: germline.
Comment: This sequence change replaces leucine, which is neutral and non-polar, with arginine, which is basic and polar, at codon 170 of the CPT2 protein (p.Leu170Arg). This variant is present in population databases (no rsID available, gnomAD 0.002%). This variant has not been reported in the literature in individuals affected with CPT2-related conditions. ClinVar contains an entry for this variant (Variation ID: 529863). An algorithm developed to predict the effect of missense changes on protein structure and function (PolyPhen-2) suggests that this variant is likely to be disruptive. In summary, the available evidence is currently insufficient to determine the role of this variant in disease. Therefore, it has been classified as a Variant of Uncertain Significance.

NM_000098.3(CPT2):c.509_510delinsGC (p.Leu170Arg)

Gene: CPT2 (carnitine palmitoyltransferase 2; plus strand). Cytogenetic location: 1p32.3.
Variant type: Indel.
Coding change: c.509_510delinsGC on transcript NM_000098.3 (MANE Select); coding-DNA positions 509 to 510, TT replaced by GC.
Protein change: p.Leu170Arg; replaces leucine 170 with arginine.
Molecular consequence: missense variant.
Genome position (GRCh38, 1-based): chr1:53,210,183-53,210,184, TT replaced by GC. VCF-style: chr1-53210183-TT-GC. GRCh37 (hg19) VCF-style: chr1-53675855-TT-GC.
Other names: c.509_510delinsGC, p.Leu170Arg (NM_001330589.2); c.509_510delinsGC (NM_000098.2); short protein forms L170R.
Identifiers: ClinVar variation 529863 (VCV000529863.5), dbSNP rs1553169607, ClinGen allele CA658795466.
Genomic context (GRCh38, chr1:53,210,183, plus strand): 5'-CCCGGGCAACCAACATGACTGTTTCTGCCATCCGGTTTCTGAAGACACTCCGGGCTGGCC[TT>GC]CTGGAGCCAGAAGTGTTCCACTTGAACCCTGCAAAAAGTGACACTATCACCTTCAAGAGA-3'
Protein context (NP_000089.1, residues 160-180): IRFLKTLRAG[Leu170Arg]LEPEVFHLNP